The following is an entry in ClinVar:

ClinVar aggregate classification (germline): Uncertain significance (0 of 4 stars; one submission).

Conditions:
USP7-related disorder. Also called: USP7-related condition.

Submission:

PreventionGenetics, part of Exact Sciences
Classification: Uncertain significance for USP7-related condition. Last evaluated: 2024-07-17. Review status: no assertion criteria provided. Collection method: clinical testing. Allele origin: germline.
Comment: The USP7 c.3179T>G variant is predicted to result in the amino acid substitution p.Leu1060Trp. To our knowledge, this variant has not been reported in the literature or in a large population database, indicating this variant is rare. At this time, the clinical significance of this variant is uncertain due to the absence of conclusive functional and genetic evidence.

NM_003470.3(USP7):c.3179T>G (p.Leu1060Trp)

Gene: USP7 (ubiquitin specific peptidase 7; minus strand). Cytogenetic location: 16p13.2.
Variant type: single nucleotide variant.
Coding change: c.3179T>G on transcript NM_003470.3 (MANE Select); coding-DNA position 3179, T replaced by G.
Protein change: p.Leu1060Trp; replaces leucine 1060 with tryptophan.
Molecular consequence: missense variant. On other transcripts: non-coding transcript variant (1).
Genome position (GRCh38, 1-based): chr16:8,894,573, A>C on the plus strand (T>G on the coding strand, the complement: USP7 is on the minus strand). VCF-style: chr16-8894573-A-C. GRCh37 (hg19) VCF-style: chr16-8988430-A-C.
Other names: c.3131T>G, p.Leu1044Trp (NM_001286457.2); c.2882T>G, p.Leu961Trp (NM_001286458.2); c.3005T>G, p.Leu1002Trp (NM_001321858.2); short protein forms L1002W, L1044W, L1060W, L961W.
Identifiers: ClinVar variation 3344971 (VCV003344971.1).
Genomic context (GRCh38, chr16:8,894,573, plus strand): 5'-AACCCACACCAGCCCCCGGGGGGGGGAGAACCCTTACCGGGCTGTGGCTCAAAGTCTTTC[A>C]AATTTACTTCATACTCGTCTTCATTTATGTACTGGTGTCGGCCCATCATTACAATTGCAA-3'
Protein context (NP_003461.2, residues 1050-1070): YINEDEYEVN[Leu1060Trp]KDFEPQPGNM